The following is an entry in ClinVar:

ClinVar aggregate classification (germline): Benign (0 of 4 stars; one submission).

Conditions:
ABCC1-related disorder. Also called: ABCC1-related condition.

Allele frequency attached by ClinVar (database versions not stated): 1000 Genomes Project 0.00120; 1000 Genomes Project 30x 0.00125; ESP Exome Variant Server 0.00158.
gnomAD v4.1: 372 of 1,611,656 alleles (0.023%); highest among the groups gnomAD compares: African/African-American, 0.45%; 2 homozygotes.

Submission:

PreventionGenetics, part of Exact Sciences
Classification: Benign for ABCC1-related condition. Last evaluated: 2020-11-16. Review status: no assertion criteria provided. Collection method: clinical testing. Allele origin: germline.
Comment: This variant is classified as benign based on ACMG/AMP sequence variant interpretation guidelines (Richards et al. 2015 PMID: 25741868, with internal and published modifications).

NM_004996.4(ABCC1):c.275C>T (p.Ser92Phe)

Gene: ABCC1 (ATP binding cassette subfamily C member 1 (ABCC1 blood group); plus strand). Cytogenetic location: 16p13.11.
Variant type: single nucleotide variant.
Coding change: c.275C>T on transcript NM_004996.4 (MANE Select); coding-DNA position 275, C replaced by T.
Protein change: p.Ser92Phe; replaces serine 92 with phenylalanine.
Molecular consequence: missense variant.
Genome position (GRCh38, 1-based): chr16:16,009,825, C>T. VCF-style: chr16-16009825-C-T. GRCh37 (hg19) VCF-style: chr16-16103682-C-T.
Other names: c.275C>T, p.Ser92Phe (NM_019862.3); short protein forms S92F.
Identifiers: ClinVar variation 3053129 (VCV003053129.2), dbSNP rs8187844, ClinGen allele CA7923469.